The following is an entry in ClinVar:

ClinVar aggregate classification (germline): Uncertain significance. Review status: criteria provided, multiple submitters, no conflicts (2 of 4 stars). 3 submissions from 3 submitters: Uncertain significance (3). Last evaluated 2025-03-13.

Conditions:
Familial adenomatous polyposis 1 (FAP1). Also called: FAMILIAL ADENOMATOUS POLYPOSIS 1, ATTENUATED; POLYPOSIS, ADENOMATOUS INTESTINAL. Identifiers: MedGen C2713442, MONDO:0021056, OMIM 175100. Disease mechanism: loss of function.
Hereditary cancer-predisposing syndrome. Also called: Hereditary neoplastic syndrome; Tumor predisposition; Hereditary Cancer Syndrome; Neoplastic Syndromes, Hereditary. Identifiers: Orphanet 140162, MedGen C0027672, MeSH D009386, MONDO:0015356.
APC-related disorder. Also called: APC-related condition.

Submissions (3):

Labcorp Genetics (formerly Invitae), Labcorp
Classification: Uncertain significance for Familial adenomatous polyposis 1. Last evaluated: 2025-03-13. Review status: criteria provided, single submitter. Criteria: Invitae Variant Classification Sherloc (09022015). Collection method: clinical testing. Allele origin: germline.
Comment: This sequence change replaces proline, which is neutral and non-polar, with leucine, which is neutral and non-polar, at codon 448 of the APC protein (p.Pro448Leu). This variant is not present in population databases (gnomAD no frequency). This variant has not been reported in the literature in individuals affected with APC-related conditions. ClinVar contains an entry for this variant (Variation ID: 2587025). Invitae Evidence Modeling of protein sequence and biophysical properties (such as structural, functional, and spatial information, amino acid conservation, physicochemical variation, residue mobility, and thermodynamic stability) indicates that this missense variant is not expected to disrupt APC protein function with a negative predictive value of 95%. In summary, the available evidence is currently insufficient to determine the role of this variant in disease. Therefore, it has been classified as a Variant of Uncertain Significance.

Ambry Genetics
Classification: Uncertain significance for Hereditary cancer-predisposing syndrome. Last evaluated: 2023-08-23. Review status: criteria provided, single submitter. Criteria: Ambry Variant Classification Scheme 2023. Collection method: clinical testing. Allele origin: germline.
Comment: The p.P448L variant (also known as c.1343C>T), located in coding exon 10 of the APC gene, results from a C to T substitution at nucleotide position 1343. The proline at codon 448 is replaced by leucine, an amino acid with similar properties. This amino acid position is highly conserved in available vertebrate species. In addition, in silico predictors for this gene do not accurately predict pathogenicity. Since supporting evidence is limited at this time, the clinical significance of this alteration remains unclear.

PreventionGenetics, part of Exact Sciences
Classification: Uncertain significance for APC-related condition. Last evaluated: 2023-08-17. Review status: criteria provided, single submitter. Criteria: ACMG Guidelines, 2015. Collection method: clinical testing. Allele origin: germline.
Comment: The APC c.1343C>T variant is predicted to result in the amino acid substitution p.Pro448Leu. To our knowledge, this variant has not been reported in the literature or in a large population database, indicating this variant is rare. At this time, the clinical significance of this variant is uncertain due to the absence of conclusive functional and genetic evidence.

NM_000038.6(APC):c.1343C>T (p.Pro448Leu)

Gene: APC (APC regulator of Wnt signaling pathway; plus strand). Cytogenetic location: 5q22.2.
Variant type: single nucleotide variant.
Coding change: c.1343C>T on transcript NM_000038.6 (MANE Select); coding-DNA position 1343, C replaced by T.
Protein change: p.Pro448Leu; replaces proline 448 with leucine.
Molecular consequence: missense variant. On other transcripts: non-coding transcript variant (2).
Genome position (GRCh38, 1-based): chr5:112,821,926, C>T. VCF-style: chr5-112821926-C-T. GRCh37 (hg19) VCF-style: chr5-112157623-C-T.
Other names: c.1343C>T, p.Pro448Leu (NM_001127510.3, NM_001354895.2, NM_001354896.2 and 4 more transcripts); c.1289C>T, p.Pro430Leu (NM_001127511.3); c.1373C>T, p.Pro458Leu (NM_001354897.2, NM_001407446.1); c.1268C>T, p.Pro423Leu (NM_001354898.2, NM_001407451.1); c.1259C>T, p.Pro420Leu (NM_001354899.2, NM_001407452.1); c.1166C>T, p.Pro389Leu (NM_001354900.2, NM_001354901.2, NM_001407453.1); c.1070C>T, p.Pro357Leu (NM_001354902.2); c.1040C>T, p.Pro347Leu (NM_001354903.2, NM_001407454.1, NM_001407455.1 and 5 more transcripts); and 5 more; short protein forms P165L, P319L, P458L, P357L, P420L, P430L, P288L, P322L.
Identifiers: ClinVar variation 2587025 (VCV002587025.4), dbSNP rs1561545979, ClinGen allele CA16024248.